The following is an entry in ClinVar:

ClinVar aggregate classification (germline): Conflicting classifications of pathogenicity. Review status: criteria provided, conflicting classifications (1 of 4 stars). 3 submissions from 3 submitters: Uncertain significance (2); Likely benign (1). Last evaluated 2026-02-03.

Conditions:
Hereditary cancer-predisposing syndrome. Also called: Neoplastic Syndromes, Hereditary; Hereditary Cancer Syndrome; Tumor predisposition; Hereditary neoplastic syndrome. Identifiers: Orphanet 140162, MedGen C0027672, MeSH D009386, MONDO:0015356.
Retinoblastoma (RB1). Also called: RETINOBLASTOMA, SOMATIC. Identifiers: Orphanet 790, MedGen C0035335, MeSH D012175, MONDO:0008380, OMIM 180200, HP:0009919. Disease mechanism: loss of function. Inheritance: Both sporadic and heritable forms are tested..

Allele frequency attached by ClinVar (database versions not stated): TOPMed below 0.00001; gnomAD exomes 0.00001 and 0.00003; ExAC 0.00002.
gnomAD v4.1: 16 of 1,613,256 alleles (0.00099%); highest among the groups gnomAD compares: East Asian, 0.031%; no homozygotes.

Submissions (3):

Labcorp Genetics (formerly Invitae), Labcorp
Classification: Uncertain significance for Retinoblastoma. Last evaluated: 2026-02-03. Review status: criteria provided, single submitter. Criteria: Invitae Variant Classification Sherloc (09022015). Collection method: clinical testing. Allele origin: germline.
Comment: This sequence change replaces glutamic acid, which is acidic and polar, with aspartic acid, which is acidic and polar, at codon 365 of the RB1 protein (p.Glu365Asp). This variant is present in population databases (rs750094760, gnomAD 0.006%). This variant has not been reported in the literature in individuals affected with RB1-related conditions. ClinVar contains an entry for this variant (Variation ID: 572603). Invitae Evidence Modeling of protein sequence and biophysical properties (such as structural, functional, and spatial information, amino acid conservation, physicochemical variation, residue mobility, and thermodynamic stability) indicates that this missense variant is not expected to disrupt RB1 protein function with a negative predictive value of 80%. In summary, the available evidence is currently insufficient to determine the role of this variant in disease. Therefore, it has been classified as a Variant of Uncertain Significance.

Ambry Genetics
Classification: Likely benign for Hereditary cancer-predisposing syndrome. Last evaluated: 2025-08-04. Review status: criteria provided, single submitter. Criteria: Ambry Variant Classification Scheme 2023. Collection method: clinical testing. Allele origin: germline.

All of Us Research Program, National Institutes of Health
Classification: Uncertain significance for Retinoblastoma. Last evaluated: 2024-04-25. Review status: criteria provided, single submitter. Criteria: ACMG Guidelines, 2015. Collection method: clinical testing. Allele origin: germline. Inheritance: Autosomal dominant inheritance. Observed: 1 variant allele, 1 heterozygote.
Comment: This missense variant replaces glutamic acid with aspartic acid at codon 365 of the RB1 protein. Computational prediction suggests that this variant may not impact protein structure and function (internally defined REVEL score threshold <= 0.5, PMID: 27666373). To our knowledge, functional studies have not been reported for this variant. This variant has not been reported in individuals affected with RB1-related disorders in the literature. This variant has been identified in 2/251260 chromosomes in the general population by the Genome Aggregation Database (gnomAD). The available evidence is insufficient to determine the role of this variant in disease conclusively. Therefore, this variant is classified as a Variant of Uncertain Significance.

This study involves interpretation of variants in research participants for the purpose of population health screening. Participant phenotype was not available at the time of variant classification. Additional details can be found in publication PMID: 35346344, PMCID: PMC8962531

NM_000321.3(RB1):c.1095G>C (p.Glu365Asp)

Gene: RB1 (RB transcriptional corepressor 1; plus strand). Cytogenetic location: 13q14.2.
Variant type: single nucleotide variant.
Coding change: c.1095G>C on transcript NM_000321.3 (MANE Select); coding-DNA position 1095, G replaced by C.
Protein change: p.Glu365Asp; replaces glutamic acid 365 with aspartic acid.
Molecular consequence: missense variant.
Genome position (GRCh38, 1-based): chr13:48,368,572, G>C. VCF-style: chr13-48368572-G-C. GRCh37 (hg19) VCF-style: chr13-48942708-G-C.
Other names: short protein forms E365D.
Identifiers: ClinVar variation 572603 (VCV000572603.14), dbSNP rs750094760, ClinGen allele CA027567.